The following is an entry in ClinVar:

ClinVar aggregate classification (germline): Pathogenic. Review status: criteria provided, multiple submitters, no conflicts (2 of 4 stars). 2 submissions from 2 submitters: Pathogenic (2). Last evaluated 2020-09-23.

Conditions:
Autosomal recessive nonsyndromic hearing loss 12. Also called: DEAFNESS, AUTOSOMAL RECESSIVE 12. Identifiers: Orphanet 90636, MedGen C1832394, MONDO:0011067, OMIM 601386.

Allele frequency attached by ClinVar (database versions not stated): gnomAD exomes below 0.00001.

Submissions (2):

Institute of Human Genetics, University of Leipzig Medical Center
Classification: Pathogenic for Autosomal recessive nonsyndromic hearing loss 12. Last evaluated: 2020-09-23. Review status: criteria provided, single submitter. Criteria: ACMG Guidelines, 2015. Collection method: clinical testing. Allele origin: unknown. Affected: yes.
Comment: This variant was identified as homozygous.

Labcorp Genetics (formerly Invitae), Labcorp
Classification: Pathogenic. Last evaluated: 2020-03-27. Review status: criteria provided, single submitter. Criteria: Invitae Variant Classification Sherloc (09022015). Collection method: clinical testing. Allele origin: germline.
Comment: This sequence change creates a premature translational stop signal (p.Pro3130Argfs*19) in the CDH23 gene. It is expected to result in an absent or disrupted protein product. This variant is not present in population databases (ExAC no frequency). This variant has been observed in individual(s) with hearing loss (PMID: 27610647, 29568747). Loss-of-function variants in CDH23 are known to be pathogenic (PMID: 11138009, 21940737). For these reasons, this variant has been classified as Pathogenic.

Literature cited by the submitters: PubMed 27610647 (cited by Labcorp Genetics (formerly Invitae), Labcorp); PubMed 29568747 (cited by Labcorp Genetics (formerly Invitae), Labcorp); PubMed 11138009 (cited by Labcorp Genetics (formerly Invitae), Labcorp); PubMed 21940737 (cited by Labcorp Genetics (formerly Invitae), Labcorp).

NM_022124.6(CDH23):c.9389_9390del (p.Pro3130fs)

Gene: CDH23 (cadherin related 23; plus strand). Cytogenetic location: 10q22.1.
Variant type: Deletion.
Coding change: c.9389_9390del on transcript NM_022124.6 (MANE Select); coding-DNA positions 9389 to 9390, 2 bases deleted (CT; older notation c.9389_9390delCT).
Protein change: p.Pro3130fs; shifts the reading frame from proline 3130.
Molecular consequence: frameshift variant.
Genome position (GRCh38, 1-based): chr10:71,812,488-71,812,489, CT deleted. VCF-style (leftmost placement, unchanged base first): chr10-71812487-CCT-C. GRCh37 (hg19) VCF-style: chr10-73572244-CCT-C.
Other names: c.2669_2670del, p.Pro890fs (NM_001171933.1, NM_001171934.1); c.80_81del, p.Pro27fs (NM_001171935.1, NM_001171936.1); short protein forms P27fs, P3130fs, P890fs.
Identifiers: ClinVar variation 1071896 (VCV001071896.10), dbSNP rs2133006702, ClinGen allele CA2499220369.
Genomic context (GRCh38, chr10:71,812,487, plus strand): 5'-CTGTCTACTCGAGCCTTCCCTCCCTCCCCACCCTTTTCCCTCCCCAACTGCAGAGCCAAC[CCT>C]GTGTGGCTGGATCCCTTCTGTCGGAACCTGGAGCTGGCCGCCCAGGCGGAGCATGAGGAT-3'